The following is an entry in ClinVar:

ClinVar aggregate classification (germline): Uncertain significance (1 of 4 stars; one submission).

Conditions:
Ataxia-telangiectasia syndrome (AT). Also called: Ataxia-telangiectasia, complementation group D; AT, COMPLEMENTATION GROUP C; ATAXIA-TELANGIECTASIA, COMPLEMENTATION GROUP A; ATAXIA-TELANGIECTASIA, FRESNO VARIANT; Ataxia-telangiectasia; Ataxia-telangiectasia, complementation group E. Identifiers: Orphanet 100, MedGen C0004135, MONDO:0008840, OMIM 208900.

Submission:

Labcorp Genetics (formerly Invitae), Labcorp
Classification: Uncertain significance for Ataxia-telangiectasia syndrome. Last evaluated: 2025-06-27. Review status: criteria provided, single submitter. Criteria: Invitae Variant Classification Sherloc (09022015). Collection method: clinical testing. Allele origin: germline.
Comment: This sequence change replaces leucine, which is neutral and non-polar, with phenylalanine, which is neutral and non-polar, at codon 2388 of the ATM protein (p.Leu2388Phe). This variant is not present in population databases (gnomAD no frequency). This variant has not been reported in the literature in individuals affected with ATM-related conditions. ClinVar contains an entry for this variant (Variation ID: 3630105). Invitae Evidence Modeling of protein sequence and biophysical properties (such as structural, functional, and spatial information, amino acid conservation, physicochemical variation, residue mobility, and thermodynamic stability) indicates that this missense variant is not expected to disrupt ATM protein function with a negative predictive value of 95%. In summary, the available evidence is currently insufficient to determine the role of this variant in disease. Therefore, it has been classified as a Variant of Uncertain Significance.

NM_000051.4(ATM):c.7162C>T (p.Leu2388Phe)

Genes: ATM (ATM serine/threonine kinase; plus strand), C11orf65 (chromosome 11 open reading frame 65; minus strand). Cytogenetic location: 11q22.3.
Variant type: single nucleotide variant.
Coding change: c.7162C>T on transcript NM_000051.4 (MANE Select); coding-DNA position 7162, C replaced by T.
Protein change: p.Leu2388Phe; replaces leucine 2388 with phenylalanine.
Molecular consequence: missense variant. On other transcripts: intron variant (2).
Genome position (GRCh38, 1-based): chr11:108,329,093, C>T. VCF-style: chr11-108329093-C-T. GRCh37 (hg19) VCF-style: chr11-108199820-C-T.
Other names: c.7162C>T, p.Leu2388Phe (NM_001351834.2); c.641-20022G>A (NM_001330368.2); c.*38+6127G>A (NM_001351110.2); short protein forms L2388F.
Identifiers: ClinVar variation 3630105 (VCV003630105.2).